The following is an entry in ClinVar:

NM_001447.3(FAT2):c.4468G>C (p.Asp1490His)

Genes: FAT2 (FAT atypical cadherin 2; minus strand), SLC36A1 (solute carrier family 36 member 1; plus strand). Cytogenetic location: 5q33.1.
Variant type: single nucleotide variant.
Coding change: c.4468G>C on transcript NM_001447.3 (MANE Select); coding-DNA position 4468, G replaced by C.
Protein change: p.Asp1490His; replaces aspartic acid 1490 with histidine.
Molecular consequence: missense variant.
Genome position (GRCh38, 1-based): chr5:151,550,700, C>G on the plus strand (G>C on the coding strand, the complement: FAT2 is on the minus strand). VCF-style: chr5-151550700-C-G. GRCh37 (hg19) VCF-style: chr5-150930261-C-G.
Other names: short protein forms D1490H.
Identifiers: ClinVar variation 3234694 (VCV003234694.20), dbSNP rs2479892137, ClinGen allele CA361846090.

ClinVar aggregate classification (germline): Uncertain significance (1 of 4 stars; one submission).

Allele frequency attached by ClinVar (database versions not stated): gnomAD exomes below 0.00001.
gnomAD v4.1: 1 of 1,614,164 alleles (0.000062%); highest among the groups gnomAD compares: Non-Finnish European, 0.000085%; no homozygotes.

Submission:

CeGaT Center for Human Genetics Tuebingen
Classification: Uncertain significance. Last evaluated: 2024-04-01. Review status: criteria provided, single submitter. Criteria: CeGaT Center For Human Genetics Tuebingen Variant Classification Criteria Version 2. Collection method: clinical testing. Allele origin: germline. Affected: yes. Observed: 1 variant allele.
Comment: FAT2: PM2, BP4